The following is an entry in ClinVar:

NM_001365999.1(SZT2):c.5501del (p.Leu1834fs)

Gene: SZT2 (SZT2 subunit of KICSTOR complex; plus strand). Cytogenetic location: 1p34.2.
Variant type: Deletion.
Coding change: c.5501del on transcript NM_001365999.1 (MANE Select); coding-DNA position 5501, one base deleted (T; older notation c.5501delT).
Protein change: p.Leu1834fs; shifts the reading frame from leucine 1834.
Molecular consequence: frameshift variant.
Genome position (GRCh38, 1-based): chr1:43,432,575, T deleted. VCF-style (leftmost placement, unchanged base first): chr1-43432574-CT-C. GRCh37 (hg19) VCF-style: chr1-43898245-CT-C.
Other names: c.5330del, p.Leu1777fs (NM_015284.4); short protein forms L1777fs, L1834fs.
Identifiers: ClinVar variation 2035438 (VCV002035438.4), dbSNP rs1448210053, ClinGen allele CA735970562.

ClinVar aggregate classification (germline): Pathogenic (1 of 4 stars; one submission).

Allele frequency attached by ClinVar (database versions not stated): TOPMed 0.00001; gnomAD 0.00001.

Submission:

Labcorp Genetics (formerly Invitae), Labcorp
Classification: Pathogenic. Last evaluated: 2025-05-07. Review status: criteria provided, single submitter. Criteria: Invitae Variant Classification Sherloc (09022015). Collection method: clinical testing. Allele origin: germline.
Comment: This sequence change creates a premature translational stop signal (p.Leu1777Profs*20) in the SZT2 gene. It is expected to result in an absent or disrupted protein product. Loss-of-function variants in SZT2 are known to be pathogenic (PMID: 23932106, 27248490, 28556953). This variant is not present in population databases (gnomAD no frequency). This variant has not been reported in the literature in individuals affected with SZT2-related conditions. ClinVar contains an entry for this variant (Variation ID: 2035438). Algorithms developed to predict the effect of sequence changes on RNA splicing suggest that this variant may disrupt the consensus splice site. For these reasons, this variant has been classified as Pathogenic.

Literature cited by the submitters: PubMed 23932106; PubMed 27248490; PubMed 28556953.